The following is an entry in ClinVar:

ClinVar aggregate classification (germline): Pathogenic (1 of 4 stars; one submission).

Submission:

Labcorp Genetics (formerly Invitae), Labcorp
Classification: Pathogenic. Last evaluated: 2025-02-24. Review status: criteria provided, single submitter. Criteria: Invitae Variant Classification Sherloc (09022015). Collection method: clinical testing. Allele origin: germline.
Comment: This sequence change creates a premature translational stop signal (p.Ser377Profs*10) in the GTPBP3 gene. It is expected to result in an absent or disrupted protein product. Loss-of-function variants in GTPBP3 are known to be pathogenic (PMID: 25434004). This variant is present in population databases (rs769133364, gnomAD 0.007%). This variant has not been reported in the literature in individuals affected with GTPBP3-related conditions. ClinVar contains an entry for this variant (Variation ID: 2032103). For these reasons, this variant has been classified as Pathogenic.

Literature cited by the submitters: PubMed 25434004.

NM_032620.4(GTPBP3):c.1032del (p.Ser345fs)

Gene: GTPBP3 (GTP binding protein 3, mitochondrial; plus strand). Cytogenetic location: 19p13.11.
Variant type: Deletion.
Coding change: c.1032del on transcript NM_032620.4 (MANE Select); coding-DNA position 1032, one base deleted (C; older notation c.1032delC).
Protein change: p.Ser345fs; shifts the reading frame from serine 345.
Molecular consequence: frameshift variant. On other transcripts: intron variant (1).
Genome position (GRCh38, 1-based): chr19:17,341,101, C deleted; the last of 3 consecutive C bases (chr19:17,341,099-17,341,101); deleting any one gives the same sequence. VCF-style (leftmost placement, unchanged base first): chr19-17341098-TC-T. GRCh37 (hg19) VCF-style: chr19-17451907-TC-T.
Other names: c.1098del, p.Ser367fs (NM_001195422.1); c.1128del, p.Ser377fs (NM_133644.4); c.975-6del (NM_001128855.3); short protein forms S345fs, S367fs, S377fs.
Identifiers: ClinVar variation 2032103 (VCV002032103.4), dbSNP rs769133364, ClinGen allele CA9293630.
Genomic context (GRCh38, chr19:17,341,098, plus strand): 5'-CCGCAGGCTAGAGCAGGCTGACCTCATTCTGGCCATGCTGGATGCTTCTGACCTGGCCTC[TC>T]CCTCCAGTTGCAACTTCCTGGCCACCGTCGTAGCCTCTGTGGGAGCCCAGAGCCCCAGTG-3'